The following is an entry in ClinVar:

ClinVar aggregate classification (germline): Benign/Likely benign. Review status: criteria provided, multiple submitters, no conflicts (2 of 4 stars). 5 submissions from 5 submitters: Benign (1); Likely benign (4). Last evaluated 2025-07-30.

Conditions:
Hereditary cancer-predisposing syndrome. Also called: Hereditary neoplastic syndrome; Tumor predisposition; Neoplastic Syndromes, Hereditary; Hereditary Cancer Syndrome. Identifiers: Orphanet 140162, MedGen C0027672, MeSH D009386, MONDO:0015356.
Tuberous sclerosis 1 (TSC1). Identifiers: Orphanet 805, MedGen C1854465, MONDO:0008612, OMIM 191100.

Allele frequency attached by ClinVar (database versions not stated): TOPMed 0.00003.

Submissions (5):

Labcorp Genetics (formerly Invitae), Labcorp
Classification: Likely benign for Tuberous sclerosis 1. Last evaluated: 2025-07-30. Review status: criteria provided, single submitter. Criteria: Invitae Variant Classification Sherloc (09022015). Collection method: clinical testing. Allele origin: germline.

Myriad Genetics, Inc.
Classification: Benign for Tuberous sclerosis 1. Last evaluated: 2025-04-30. Review status: criteria provided, single submitter. Criteria: Myriad Autosomal Dominant, Autosomal Recessive and X-Linked Classification Criteria (2023). Collection method: clinical testing. Allele origin: unknown.
Comment: This variant is considered benign. This variant is a silent/synonymous amino acid change and it is not expected to impact splicing.

Genome-Nilou Lab
Classification: Likely benign for Tuberous sclerosis 1. Last evaluated: 2021-11-07. Review status: criteria provided, single submitter. Criteria: ACMG Guidelines, 2015. Collection method: clinical testing. Allele origin: germline. Affected: no.

Ambry Genetics
Classification: Likely benign for Hereditary cancer-predisposing syndrome. Last evaluated: 2017-10-13. Review status: criteria provided, single submitter. Criteria: Ambry Variant Classification Scheme 2023. Collection method: clinical testing. Allele origin: germline.

GeneDx
Classification: Likely benign. Last evaluated: 2016-01-15. Review status: criteria provided, single submitter. Criteria: GeneDx Variant Classification (06012015). Collection method: clinical testing. Allele origin: germline. Affected: yes.
Comment: This variant is considered likely benign or benign based on one or more of the following criteria: it is a conservative change, it occurs at a poorly conserved position in the protein, it is predicted to be benign by multiple in silico algorithms, and/or has population frequency not consistent with disease.

NM_000368.5(TSC1):c.3336C>T (p.Ser1112=)

Gene: TSC1 (TSC complex subunit 1; minus strand). Cytogenetic location: 9q34.13.
Variant type: single nucleotide variant.
Coding change: c.3336C>T on transcript NM_000368.5 (MANE Select); coding-DNA position 3336, C replaced by T.
Protein change: p.Ser1112=; no amino-acid change (serine 1112 retained).
Molecular consequence: synonymous variant.
Genome position (GRCh38, 1-based): chr9:132,896,394, G>A on the plus strand (C>T on the coding strand, the complement: TSC1 is on the minus strand). VCF-style: chr9-132896394-G-A. GRCh37 (hg19) VCF-style: chr9-135771781-G-A.
Other names: c.3333C>T, p.Ser1111= (NM_001162426.2); c.3183C>T, p.Ser1061= (NM_001162427.2); c.2973C>T, p.Ser991= (NM_001362177.2).
Identifiers: ClinVar variation 382885 (VCV000382885.15), dbSNP rs761334590, ClinGen allele CA16605639.